The following is an entry in ClinVar:

NM_016213.5(TRIP4):c.272-1G>T

Gene: TRIP4 (thyroid hormone receptor interactor 4; plus strand). Cytogenetic location: 15q22.31.
Variant type: single nucleotide variant.
Coding change: c.272-1G>T on transcript NM_016213.5 (MANE Select); the canonical splice acceptor site of the intron before coding-DNA position 272, G replaced by T.
Molecular consequence: splice acceptor variant.
Genome position (GRCh38, 1-based): chr15:64,395,397, G>T. VCF-style: chr15-64395397-G-T. GRCh37 (hg19) VCF-style: chr15-64687596-G-T.
Other names: c.-419-1G>T (NM_001321924.2).
Identifiers: ClinVar variation 2581351 (VCV002581351.8), dbSNP rs374032892, ClinGen allele CA7609334.

ClinVar aggregate classification (germline): Likely pathogenic. Review status: criteria provided, multiple submitters, no conflicts (2 of 4 stars). 4 submissions from 4 submitters: Likely pathogenic (4). Last evaluated 2024-11-27.

Conditions:
TRIP4-related disorder. Also called: TRIP4-related condition; TRIP4-related disorders.
Spinal muscular atrophy with congenital bone fractures 1 (SMABF1). Also called: SMA1 with congenital bone fractures. Identifiers: MedGen C4225177, MONDO:0014806, OMIM 616866.

Allele frequency attached by ClinVar (database versions not stated): gnomAD 0.00001; TOPMed 0.00001; ExAC 0.00002.
gnomAD v4.1: 20 of 1,593,646 alleles (0.0013%); highest among the groups gnomAD compares: East Asian, 0.0067%; 1 homozygote.

Submissions (6):

Labcorp Genetics (formerly Invitae), Labcorp
Classification: Likely pathogenic. Last evaluated: 2024-11-27. Review status: criteria provided, single submitter. Criteria: Invitae Variant Classification Sherloc (09022015). Collection method: clinical testing. Allele origin: germline.
Comment: This sequence change affects an acceptor splice site in intron 2 of the TRIP4 gene. It is expected to disrupt RNA splicing. Variants that disrupt the donor or acceptor splice site typically lead to a loss of protein function (PMID: 16199547), and loss-of-function variants in TRIP4 are known to be pathogenic (PMID: 26924529, 27008887). This variant is present in population databases (rs374032892, gnomAD 0.01%). Disruption of this splice site has been observed in individual(s) with clinical features of TRIP4-related conditions (PMID: 35372177). ClinVar contains an entry for this variant (Variation ID: 2581351). Algorithms developed to predict the effect of sequence changes on RNA splicing suggest that this variant may disrupt the consensus splice site. In summary, the currently available evidence indicates that the variant is pathogenic, but additional data are needed to prove that conclusively. Therefore, this variant has been classified as Likely Pathogenic.

Blueprint Genetics
Classification: Likely pathogenic for TRIP4-related disorders. Last evaluated: 2024-10-14. Review status: criteria provided, single submitter. Criteria: ACMG Guidelines, 2015. Collection method: clinical testing. Allele origin: germline. Affected: yes. Observed: 5 variant alleles.

Women's Health and Genetics/Laboratory Corporation of America, LabCorp
Classification: Likely pathogenic for TRIP4-Related Disorders. Last evaluated: 2023-08-24. Review status: criteria provided, single submitter. Criteria: LabCorp Variant Classification Summary - May 2015. Collection method: clinical testing. Allele origin: germline.
Comment: Variant summary: TRIP4 c.272-1G>T is located in a canonical splice-site and is predicted to affect mRNA splicing resulting in a significantly altered protein due to either exon skipping, shortening, or inclusion of intronic material. Several computational tools predict a significant impact on normal splicing: Four predict the variant abolishes the canonical 3' acceptor site. However, these predictions have yet to be confirmed by functional studies. The variant allele was found at a frequency of 8.6e-06 in 233526 control chromosomes (gnomAD). c.272-1G>T has been reported in the literature in the heterozygous state in a setting of whole exome sequencing performed on a newborn with non-immune fetal hydrops, arterial tortuosity and cranial fractures in the immediate neonatal period who was suspected to be a carrier and did not exhibit muscle weakness (Bharadwaj_2021). This report does not provide unequivocal conclusions about association of the variant with TRIP4-Related Disorders. To our knowledge, no experimental evidence demonstrating an impact on protein function has been reported. The following publication has been ascertained in the context of this evaluation (PMID: 35372177). No submitters have cited clinical-significance assessments for this variant to ClinVar after 2014. Based on the evidence outlined above, the variant was classified as likely pathogenic.

Juno Genomics, Hangzhou Juno Genomics, Inc
Classification: Likely pathogenic for Spinal muscular atrophy with congenital bone fractures 1. Review status: criteria provided, single submitter. Criteria: ACMG Guidelines, 2015. Collection method: clinical testing. Allele origin: germline.
Comment: Null variant in a gene where loss of function (LOF) is a known mechanism of disease.;Absent from controls (or at extremely low frequency if recessive) in Genome Aggregation Database.

Dr. Peter K. Rogan Lab, Western University
No classification provided (evidence only). Condition: Cervical cancer. Review status: no classification provided. Collection method: in vitro. Allele origin: not applicable. Functional consequence: cryptic splice site, skipped exon. Not counted in ClinVar's aggregate classification.

Dr. Peter K. Rogan Lab, Western University
No classification provided (evidence only). Condition: Gastric cancer. Review status: no classification provided. Collection method: in vitro. Allele origin: not applicable. Functional consequence: retained intron. Not counted in ClinVar's aggregate classification.

Literature cited by the submitters: PubMed 16199547 (cited by Labcorp Genetics (formerly Invitae), Labcorp); PubMed 26924529 (cited by Labcorp Genetics (formerly Invitae), Labcorp); PubMed 27008887 (cited by Labcorp Genetics (formerly Invitae), Labcorp); PubMed 35372177 (cited by Labcorp Genetics (formerly Invitae), Labcorp and Women's Health and Genetics/Laboratory Corporation of America, LabCorp).